The following is an entry in ClinVar:

ClinVar aggregate classification (germline): Uncertain significance (1 of 4 stars; one submission).

Conditions:
Familial isolated arrhythmogenic right ventricular dysplasia. Identifiers: Orphanet 217656, MedGen C4274968, MONDO:0016342.

Submission:

All of Us Research Program, National Institutes of Health
Classification: Uncertain significance for Familial isolated arrhythmogenic right ventricular dysplasia. Last evaluated: 2023-06-26. Review status: criteria provided, single submitter. Criteria: ACMG Guidelines, 2015. Collection method: clinical testing. Allele origin: germline. Inheritance: Autosomal dominant inheritance. Observed: 1 variant allele, 1 heterozygote.
Comment: This variant causes a duplication of 1 nucleotide in exon 8 of the DSC2 gene, creating a frameshift and premature translation stop signal. This variant is expected to result in an absent or non-functional protein product. To our knowledge, this variant has not been reported in individuals affected with cardiovascular disorders in the literature. This variant has not been identified in the general population by the Genome Aggregation Database (gnomAD). Although there is a suspicion for a pathogenic role, the clinical relevance of loss-of-function DSC2 truncation and splice variants in autosomal dominant arrhythmogenic cardiomyopathy is not yet clearly established. The available evidence is insufficient to determine the role of this variant in disease conclusively. Therefore, this variant is classified as a Variant of Uncertain Significance.

This study involves interpretation of variants in research participants for the purpose of population health screening. Participant phenotype was not available at the time of variant classification. Additional details can be found in publication PMID: 35346344, PMCID: PMC8962531

NM_024422.6(DSC2):c.1066dup (p.Thr356fs)

Gene: DSC2 (desmocollin 2; minus strand). Cytogenetic location: 18q12.1.
Variant type: Duplication.
Coding change: c.1066dup on transcript NM_024422.6 (MANE Select); coding-DNA position 1066, one base duplicated (A; older notation c.1066dupA).
Protein change: p.Thr356fs; shifts the reading frame from threonine 356.
Molecular consequence: frameshift variant.
Genome position (GRCh38, 1-based): chr18:31,082,937, T duplicated on the plus strand (A on the coding strand, the reverse complement: DSC2 is on the minus strand). VCF-style (leftmost placement, unchanged base first): chr18-31082936-G-GT. GRCh37 (hg19) VCF-style: chr18-28662902-G-GT.
Other names: c.637dup, p.Thr213fs (NM_001406506.1, NM_001406507.1); c.1066dup, p.Thr356fs (NM_004949.5); short protein forms T213fs, T356fs.
Identifiers: ClinVar variation 3071865 (VCV003071865.1), dbSNP rs2510948848, ClinGen allele CA2825002673.
Genomic context (GRCh38, chr18:31,082,936, plus strand): 5'-CAATTAAAACTGGTCTATACATTTTTCTTTAATTAATATCATACACTTACAGAAGTACGA[G>GT]TAAATGTTGGCAAGTGGTCATTTACATCATCAATGTTAATGATACAAGTTGAAGTTGTCT-3'